The following is an entry in ClinVar:

NM_001106.4(ACVR2B):c.148G>A (p.Glu50Lys)

Gene: ACVR2B (activin A receptor type 2B; plus strand). Cytogenetic location: 3p22.2.
Variant type: single nucleotide variant.
Coding change: c.148G>A on transcript NM_001106.4 (MANE Select); coding-DNA position 148, G replaced by A.
Protein change: p.Glu50Lys; replaces glutamic acid 50 with lysine.
Molecular consequence: missense variant.
Genome position (GRCh38, 1-based): chr3:38,477,382, G>A. VCF-style: chr3-38477382-G-A. GRCh37 (hg19) VCF-style: chr3-38518873-G-A.
Other names: short protein forms E50K.
Identifiers: ClinVar variation 1406908 (VCV001406908.8), dbSNP rs371445433, ClinGen allele CA2318715.

ClinVar aggregate classification (germline): Uncertain significance (1 of 4 stars; one submission).

Conditions:
Heterotaxy, visceral, 4, autosomal (HTX4). Identifiers: Orphanet 450, MedGen C3151057, MONDO:0013403, OMIM 613751.

Allele frequency attached by ClinVar (database versions not stated): gnomAD exomes 0.00002 and 0.00007; gnomAD 0.00004 and 0.00005; TOPMed 0.00005; ExAC 0.00007; ESP Exome Variant Server 0.00015; 1000 Genomes Project 30x 0.00031; 1000 Genomes Project 0.00040.
gnomAD v4.1: 41 of 1,614,160 alleles (0.0025%); highest among the groups gnomAD compares: Admixed American, 0.022%; no homozygotes.

Submission:

Labcorp Genetics (formerly Invitae), Labcorp
Classification: Uncertain significance for Heterotaxy, visceral, 4, autosomal. Last evaluated: 2025-08-31. Review status: criteria provided, single submitter. Criteria: Invitae Variant Classification Sherloc (09022015). Collection method: clinical testing. Allele origin: germline.
Comment: This sequence change replaces glutamic acid, which is acidic and polar, with lysine, which is basic and polar, at codon 50 of the ACVR2B protein (p.Glu50Lys). This variant is present in population databases (rs371445433, gnomAD 0.03%). This variant has not been reported in the literature in individuals affected with ACVR2B-related conditions. ClinVar contains an entry for this variant (Variation ID: 1406908). Invitae Evidence Modeling of protein sequence and biophysical properties (such as structural, functional, and spatial information, amino acid conservation, physicochemical variation, residue mobility, and thermodynamic stability) indicates that this missense variant is not expected to disrupt ACVR2B protein function with a negative predictive value of 95%. In summary, the available evidence is currently insufficient to determine the role of this variant in disease. Therefore, it has been classified as a Variant of Uncertain Significance.